The following is an entry in ClinVar:

NM_000213.5(ITGB4):c.4073C>T (p.Ser1358Leu)

Genes: GALK1 (galactokinase 1; minus strand), ITGB4 (integrin subunit beta 4; plus strand). Cytogenetic location: 17q25.1.
Variant type: single nucleotide variant.
Coding change: c.4073C>T on transcript NM_000213.5 (MANE Select); coding-DNA position 4073, C replaced by T.
Protein change: p.Ser1358Leu; replaces serine 1358 with leucine.
Molecular consequence: missense variant. On other transcripts: intron variant (1).
Genome position (GRCh38, 1-based): chr17:75,752,542, C>T. VCF-style: chr17-75752542-C-T. GRCh37 (hg19) VCF-style: chr17-73748623-C-T.
Other names: c.4073C>T, p.Ser1358Leu (NM_001005619.2, NM_001005731.3, NM_001321123.2 and 1 more transcripts); c.*23-805G>A (NM_001381985.1); short protein forms S1358L.
Identifiers: ClinVar variation 2592329 (VCV002592329.24), dbSNP rs368526254, ClinGen allele CA8770022.

ClinVar aggregate classification (germline): Conflicting classifications of pathogenicity. Review status: criteria provided, conflicting classifications (1 of 4 stars). 2 submissions from 2 submitters: Uncertain significance (1); Likely benign (1). Last evaluated 2023-07-29.

Conditions:
Inborn genetic diseases. Identifiers: MedGen C0950123, MeSH D030342.

Allele frequency attached by ClinVar (database versions not stated): ESP Exome Variant Server 0.00008; 1000 Genomes Project 0.00020; TOPMed 0.00007; gnomAD exomes 0.00003; 1000 Genomes Project 30x 0.00016; ExAC 0.00002; gnomAD 0.00004.
gnomAD v4.1: 45 of 1,613,614 alleles (0.0028%); highest among the groups gnomAD compares: Admixed American, 0.015%; no homozygotes.

Submissions (2):

Ambry Genetics
Classification: Uncertain significance for Inborn genetic diseases. Last evaluated: 2023-07-29. Review status: criteria provided, single submitter. Criteria: Ambry Variant Classification Scheme 2023. Collection method: clinical testing. Allele origin: germline.

CeGaT Center for Human Genetics Tuebingen
Classification: Likely benign. Last evaluated: 2023-02-01. Review status: criteria provided, single submitter. Criteria: CeGaT Center For Human Genetics Tuebingen Variant Classification Criteria Version 2. Collection method: clinical testing. Allele origin: germline. Affected: yes. Observed: 1 variant allele.
Comment: ITGB4: BP4